The following is an entry in ClinVar:

NM_000246.4(CIITA):c.917C>T (p.Thr306Ile)

Gene: CIITA (class II major histocompatibility complex transactivator; plus strand). Cytogenetic location: 16p13.13.
Variant type: single nucleotide variant.
Coding change: c.917C>T on transcript NM_000246.4 (MANE Select); coding-DNA position 917, C replaced by T.
Protein change: p.Thr306Ile; replaces threonine 306 with isoleucine.
Molecular consequence: missense variant. On other transcripts: non-coding transcript variant (1).
Genome position (GRCh38, 1-based): chr16:10,903,875, C>T. VCF-style: chr16-10903875-C-T. GRCh37 (hg19) VCF-style: chr16-10997732-C-T.
Other names: c.920C>T, p.Thr307Ile (NM_001286402.1, NM_001379332.1); c.770C>T, p.Thr257Ile (NM_001286403.2, NM_001379331.1); c.773C>T, p.Thr258Ile (NM_001379330.1); c.917C>T, p.Thr306Ile (NM_001379333.1); c.848C>T, p.Thr283Ile (NM_001379334.1); short protein forms T258I, T306I, T257I, T283I, T307I.
Identifiers: ClinVar variation 1432426 (VCV001432426.8), dbSNP rs1353818826, ClinGen allele CA394729380.

ClinVar aggregate classification (germline): Uncertain significance (1 of 4 stars; one submission).

Conditions:
MHC class II deficiency. Also called: BLS, TYPE II; Bare lymphocyte syndrome 2. Identifiers: Orphanet 572, MedGen C5447452, MONDO:0008855.

Allele frequency attached by ClinVar (database versions not stated): gnomAD exomes below 0.00001 and 0.00002.

Submission:

Labcorp Genetics (formerly Invitae), Labcorp
Classification: Uncertain significance for MHC class II deficiency. Last evaluated: 2023-10-13. Review status: criteria provided, single submitter. Criteria: Invitae Variant Classification Sherloc (09022015). Collection method: clinical testing. Allele origin: germline.
Comment: This sequence change replaces threonine, which is neutral and polar, with isoleucine, which is neutral and non-polar, at codon 306 of the CIITA protein (p.Thr306Ile). This variant is present in population databases (no rsID available, gnomAD 0.01%). This variant has not been reported in the literature in individuals affected with CIITA-related conditions. ClinVar contains an entry for this variant (Variation ID: 1432426). Algorithms developed to predict the effect of missense changes on protein structure and function output the following: SIFT: "Not Available"; PolyPhen-2: "Benign"; Align-GVGD: "Not Available". The isoleucine amino acid residue is found in multiple mammalian species, which suggests that this missense change does not adversely affect protein function. In summary, the available evidence is currently insufficient to determine the role of this variant in disease. Therefore, it has been classified as a Variant of Uncertain Significance.